The following is an entry in ClinVar:

NM_000179.3(MSH6):c.2167G>A (p.Gly723Ser)

Gene: MSH6 (mutS homolog 6; plus strand). Cytogenetic location: 2p16.3.
Variant type: single nucleotide variant.
Coding change: c.2167G>A on transcript NM_000179.3 (MANE Select); coding-DNA position 2167, G replaced by A.
Protein change: p.Gly723Ser; replaces glycine 723 with serine.
Molecular consequence: missense variant.
Genome position (GRCh38, 1-based): chr2:47,800,150, G>A. VCF-style: chr2-47800150-G-A. GRCh37 (hg19) VCF-style: chr2-48027289-G-A.
Other names: c.1777G>A, p.Gly593Ser (NM_001281492.2); c.1261G>A, p.Gly421Ser (NM_001281493.2, NM_001281494.2, NM_001406823.1 and 6 more transcripts); c.2263G>A, p.Gly755Ser (NM_001406795.1, NM_001406802.1); c.2167G>A, p.Gly723Ser (NM_001406796.1, NM_001406798.1, NM_001406800.1 and 3 more transcripts); c.1870G>A, p.Gly624Ser (NM_001406797.1, NM_001406801.1, NM_001406805.1 and 10 more transcripts); c.1642G>A, p.Gly548Ser (NM_001406799.1, NM_001406806.1, NM_001406807.1); c.2089G>A, p.Gly697Ser (NM_001406804.1); c.1999G>A, p.Gly667Ser (NM_001406826.1); and 1 more; short protein forms G421S, G667S, G725S, G697S, G723S, G755S, G593S, G548S.
Identifiers: ClinVar variation 2061803 (VCV002061803.4), dbSNP rs1064793492, ClinGen allele CA346751162.
Genomic context (GRCh38, chr2:47,800,150, plus strand): 5'-ATGGCTAATTTTGAAGAATATATTCCCTTGGATTCTGACACAGTCAGCACTACAAGATCT[G>A]GTGCTATCTTCACCAAAGCCTATCAACGAATGGTGCTAGATGCAGTGACATTAAACAACT-3'
Protein context (NP_000170.1, residues 713-733): DSDTVSTTRS[Gly723Ser]AIFTKAYQRM

ClinVar aggregate classification (germline): Uncertain significance (1 of 4 stars; one submission).

Conditions:
Hereditary nonpolyposis colorectal neoplasms. Identifiers: MedGen C0009405, MeSH D003123.

Submission:

Labcorp Genetics (formerly Invitae), Labcorp
Classification: Uncertain significance for Hereditary nonpolyposis colorectal neoplasms. Last evaluated: 2024-09-03. Review status: criteria provided, single submitter. Criteria: Invitae Variant Classification Sherloc (09022015). Collection method: clinical testing. Allele origin: germline.
Comment: This sequence change replaces glycine, which is neutral and non-polar, with serine, which is neutral and polar, at codon 723 of the MSH6 protein (p.Gly723Ser). This variant is not present in population databases (gnomAD no frequency). This variant has not been reported in the literature in individuals affected with MSH6-related conditions. ClinVar contains an entry for this variant (Variation ID: 2061803). Invitae Evidence Modeling of protein sequence and biophysical properties (such as structural, functional, and spatial information, amino acid conservation, physicochemical variation, residue mobility, and thermodynamic stability) indicates that this missense variant is not expected to disrupt MSH6 protein function with a negative predictive value of 95%. In summary, the available evidence is currently insufficient to determine the role of this variant in disease. Therefore, it has been classified as a Variant of Uncertain Significance.